The following is an entry in ClinVar:

ClinVar aggregate classification (germline): Uncertain significance (1 of 4 stars; one submission).

Allele frequency attached by ClinVar (database versions not stated): ExAC 0.00002; gnomAD exomes 0.00002; TOPMed 0.00005; gnomAD 0.00007 and 0.00008; ESP Exome Variant Server 0.00008.
gnomAD v4.1: 107 of 1,613,904 alleles (0.0066%); highest among the groups gnomAD compares: Non-Finnish European, 0.0079%; no homozygotes.

Submission:

Labcorp Genetics (formerly Invitae), Labcorp
Classification: Uncertain significance. Last evaluated: 2022-09-24. Review status: criteria provided, single submitter. Criteria: Invitae Variant Classification Sherloc (09022015). Collection method: clinical testing. Allele origin: germline.
Comment: This sequence change replaces arginine, which is basic and polar, with tryptophan, which is neutral and slightly polar, at codon 2203 of the FAT4 protein (p.Arg2203Trp). This variant is present in population databases (rs374328795, gnomAD 0.02%). This variant has not been reported in the literature in individuals affected with FAT4-related conditions. ClinVar contains an entry for this variant (Variation ID: 1442832). Advanced modeling of protein sequence and biophysical properties (such as structural, functional, and spatial information, amino acid conservation, physicochemical variation, residue mobility, and thermodynamic stability) performed at Invitae indicates that this missense variant is not expected to disrupt FAT4 protein function. In summary, the available evidence is currently insufficient to determine the role of this variant in disease. Therefore, it has been classified as a Variant of Uncertain Significance.

NM_001291303.3(FAT4):c.6607C>T (p.Arg2203Trp)

Gene: FAT4 (FAT atypical cadherin 4; plus strand). Cytogenetic location: 4q28.1.
Variant type: single nucleotide variant.
Coding change: c.6607C>T on transcript NM_001291303.3 (MANE Select); coding-DNA position 6607, C replaced by T.
Protein change: p.Arg2203Trp; replaces arginine 2203 with tryptophan.
Molecular consequence: missense variant.
Genome position (GRCh38, 1-based): chr4:125,415,570, C>T. VCF-style: chr4-125415570-C-T. GRCh37 (hg19) VCF-style: chr4-126336725-C-T.
Other names: c.6607C>T, p.Arg2203Trp (NM_001291285.3, NM_024582.6); short protein forms R2203W.
Identifiers: ClinVar variation 1442832 (VCV001442832.3), dbSNP rs374328795, ClinGen allele CA3072948.